The following is an entry in ClinVar:

NM_001170700.3(DTHD1):c.1724G>A (p.Ser575Asn)

Gene: DTHD1 (death domain containing 1; plus strand). Cytogenetic location: 4p14.
Variant type: single nucleotide variant.
Coding change: c.1724G>A on transcript NM_001170700.3 (MANE Select); coding-DNA position 1724, G replaced by A.
Protein change: p.Ser575Asn; replaces serine 575 with asparagine.
Molecular consequence: missense variant. On other transcripts: non-coding transcript variant (2).
Genome position (GRCh38, 1-based): chr4:36,306,271, G>A. VCF-style: chr4-36306271-G-A. GRCh37 (hg19) VCF-style: chr4-36307893-G-A.
Other names: c.854G>A, p.Ser285Asn (NM_001136536.5); c.791G>A, p.Ser264Asn (NM_001378435.1); short protein forms S575N, S264N, S285N.
Identifiers: ClinVar variation 1997745 (VCV001997745.4), dbSNP rs2529762228, ClinGen allele CA356680454.

ClinVar aggregate classification (germline): Uncertain significance (1 of 4 stars; one submission).

Submission:

Labcorp Genetics (formerly Invitae), Labcorp
Classification: Uncertain significance. Last evaluated: 2022-05-21. Review status: criteria provided, single submitter. Criteria: Invitae Variant Classification Sherloc (09022015). Collection method: clinical testing. Allele origin: germline.
Comment: This sequence change replaces serine, which is neutral and polar, with asparagine, which is neutral and polar, at codon 285 of the DTHD1 protein (p.Ser285Asn). In summary, the available evidence is currently insufficient to determine the role of this variant in disease. Therefore, it has been classified as a Variant of Uncertain Significance. Algorithms developed to predict the effect of missense changes on protein structure and function (SIFT, PolyPhen-2, Align-GVGD) all suggest that this variant is likely to be tolerated. This variant has not been reported in the literature in individuals affected with DTHD1-related conditions. This variant is not present in population databases (gnomAD no frequency).